The following is an entry in ClinVar:

NM_033310.3(KCNK4):c.73C>T (p.Arg25Trp)

Genes: KCNK4 (potassium two pore domain channel subfamily K member 4; plus strand), KCNK4-CATSPERZ (KCNK4-CATSPERZ readthrough (NMD candidate); plus strand). Cytogenetic location: 11q13.1.
Variant type: single nucleotide variant.
Coding change: c.73C>T on transcript NM_033310.3 (MANE Select); coding-DNA position 73, C replaced by T.
Protein change: p.Arg25Trp; replaces arginine 25 with tryptophan.
Molecular consequence: missense variant. On other transcripts: non-coding transcript variant (2).
Genome position (GRCh38, 1-based): chr11:64,293,091, C>T. VCF-style: chr11-64293091-C-T. GRCh37 (hg19) VCF-style: chr11-64060563-C-T.
Other names: c.73C>T, p.Arg25Trp (NM_001317090.2); short protein forms R25W.
Identifiers: ClinVar variation 4710091 (VCV004710091.1).

ClinVar aggregate classification (germline): Uncertain significance (1 of 4 stars; one submission).

gnomAD v4.1: 3 of 1,548,668 alleles (0.00019%); highest among the groups gnomAD compares: South Asian, 0.0012%; no homozygotes.

Submission:

Labcorp Genetics (formerly Invitae), Labcorp
Classification: Uncertain significance. Last evaluated: 2026-02-03. Review status: criteria provided, single submitter. Criteria: Invitae Variant Classification Sherloc (09022015). Collection method: clinical testing. Allele origin: germline.
Comment: This sequence change replaces arginine, which is basic and polar, with tryptophan, which is neutral and slightly polar, at codon 25 of the KCNK4 protein (p.Arg25Trp). This variant is not present in population databases (gnomAD no frequency). This variant has not been reported in the literature in individuals affected with KCNK4-related conditions. An algorithm developed to predict the effect of missense changes on protein structure and function (PolyPhen-2) suggests that this variant is likely to be disruptive. In summary, the available evidence is currently insufficient to determine the role of this variant in disease. Therefore, it has been classified as a Variant of Uncertain Significance.